The following is an entry in ClinVar:

ClinVar aggregate classification (germline): Likely benign (1 of 4 stars; one submission).

gnomAD v4.1: 18 of 1,612,598 alleles (0.0011%); highest among the groups gnomAD compares: South Asian, 0.0033%; no homozygotes.

Submission:

Women's Health and Genetics/Laboratory Corporation of America, LabCorp
Classification: Likely benign. Last evaluated: 2025-12-04. Review status: criteria provided, single submitter. Criteria: LabCorp Variant Classification Summary - May 2015. Collection method: clinical testing. Allele origin: germline.
Comment: Variant summary: AGO2 c.337-4G>A alters a non-conserved nucleotide located at a position not widely known to affect splicing. Consensus agreement among computation tools predict no significant impact on normal splicing. However, these predictions have yet to be confirmed by functional studies. The variant allele was found at a frequency of 4e-06 in 250018 control chromosomes. The available data on variant occurrences in the general population are insufficient to allow any conclusion about variant significance. To our knowledge, no occurrence of c.337-4G>A in individuals affected with AGO2-related conditions and no experimental evidence demonstrating its impact on protein function have been reported. No submitters have cited clinical-significance assessments for this variant to ClinVar. Based on the evidence outlined above, the variant was classified as likely benign.

NM_012154.5(AGO2):c.337-4G>A

Gene: AGO2 (argonaute RISC catalytic component 2; minus strand). Cytogenetic location: 8q24.3.
Variant type: single nucleotide variant.
Coding change: c.337-4G>A on transcript NM_012154.5 (MANE Select); 4 bases into the intron before coding-DNA position 337, G replaced by A.
Molecular consequence: intron variant.
Genome position (GRCh38, 1-based): chr8:140,562,638, C>T on the plus strand (G>A on the coding strand, the complement: AGO2 is on the minus strand). VCF-style: chr8-140562638-C-T. GRCh37 (hg19) VCF-style: chr8-141572737-C-T.
Other names: c.337-4G>A (NM_001164623.3).
Identifiers: ClinVar variation 4688569 (VCV004688569.1).
Genomic context (GRCh38, chr8:140,562,638, plus strand): 5'-GGACACCTTGAAGATGCGATCCTTGCCTTCTCCTGGCAGCGTGACCTCCAGCTCCACCTG[C>T]GAGGATCCAAGGCACACAAGGTTACTCCCTCCTGCGAAGCCCCAGGGAGGACGCAGCCTG-3'